The following is an entry in ClinVar:

ClinVar aggregate classification (germline): Likely benign (0 of 4 stars; one submission).

Conditions:
PLXNA4-related disorder. Also called: PLXNA4-related condition.

gnomAD v4.1: 33 of 1,614,086 alleles (0.002%); highest among the groups gnomAD compares: South Asian, 0.0066%; no homozygotes.

Submission:

PreventionGenetics, part of Exact Sciences
Classification: Likely benign for PLXNA4-related condition. Last evaluated: 2022-11-23. Review status: no assertion criteria provided. Collection method: clinical testing. Allele origin: germline.
Comment: This variant is classified as likely benign based on ACMG/AMP sequence variant interpretation guidelines (Richards et al. 2015 PMID: 25741868, with internal and published modifications).

NM_020911.2(PLXNA4):c.666C>T (p.Phe222=)

Gene: PLXNA4 (plexin A4; minus strand). Cytogenetic location: 7q32.3.
Variant type: single nucleotide variant.
Coding change: c.666C>T on transcript NM_020911.2 (MANE Select); coding-DNA position 666, C replaced by T.
Protein change: p.Phe222=; no amino-acid change (phenylalanine 222 retained).
Molecular consequence: synonymous variant.
Genome position (GRCh38, 1-based): chr7:132,508,028, G>A on the plus strand (C>T on the coding strand, the complement: PLXNA4 is on the minus strand). VCF-style: chr7-132508028-G-A. GRCh37 (hg19) VCF-style: chr7-132192787-G-A.
Other names: c.666C>T, p.Phe222= (NM_001105543.2, NM_001393897.1, NM_181775.4).
Identifiers: ClinVar variation 3352344 (VCV003352344.1), dbSNP rs267601295.
Genomic context (GRCh38, chr7:132,508,028, plus strand): 5'-GATATCAAAGTCAGGGATGATGGTGAAGGTGTCCGAAGGGATCTTAATCATCGAGGCCAC[G>A]AACTCATCATGGAAGACGTACGCGAACATGCCATCCGCCTCAGAGTTCTTGGTCAGTTTC-3'
Protein context (NP_065962.1, residues 212-232): GMFAYVFHDE[Phe222=]VASMIKIPSD